The following is an entry in ClinVar:

ClinVar aggregate classification (germline): Likely benign (1 of 4 stars; one submission).

Conditions:
PHIP-related disorder. Also called: PHIP-related disorders; PHIP-related condition.

gnomAD v4.1: 1 of 1,013,232 alleles (0.000099%); no homozygotes.

Submission:

PreventionGenetics, part of Exact Sciences
Classification: Likely benign for PHIP-related condition. Last evaluated: 2025-07-31. Review status: criteria provided, single submitter. Criteria: ACMG Guidelines, 2015. Collection method: clinical testing. Allele origin: germline.
Comment: This variant is classified as likely benign based on ACMG/AMP sequence variant interpretation guidelines (Richards et al. 2015 PMID: 25741868, with internal and published modifications).

NM_017934.7(PHIP):c.105G>T (p.Leu35=)

Gene: PHIP (PHIP subunit of CUL4-Ring ligase complex; minus strand). Cytogenetic location: 6q14.1.
Variant type: single nucleotide variant.
Coding change: c.105G>T on transcript NM_017934.7 (MANE Select); coding-DNA position 105, G replaced by T.
Protein change: p.Leu35=; no amino-acid change (leucine 35 retained).
Molecular consequence: synonymous variant.
Genome position (GRCh38, 1-based): chr6:79,077,724, C>A on the plus strand (G>T on the coding strand, the complement: PHIP is on the minus strand). VCF-style: chr6-79077724-C-A. GRCh37 (hg19) VCF-style: chr6-79787441-C-A.
Identifiers: ClinVar variation 4987865 (VCV004987865.1).